The following is an entry in ClinVar:

NM_012470.4(TNPO3):c.2662G>A (p.Val888Ile)

Gene: TNPO3 (transportin 3; minus strand). Cytogenetic location: 7q32.1.
Variant type: single nucleotide variant.
Coding change: c.2662G>A on transcript NM_012470.4 (MANE Select); coding-DNA position 2662, G replaced by A.
Protein change: p.Val888Ile; replaces valine 888 with isoleucine.
Molecular consequence: missense variant. On other transcripts: non-coding transcript variant (18).
Genome position (GRCh38, 1-based): chr7:128,967,329, C>T on the plus strand (G>A on the coding strand, the complement: TNPO3 is on the minus strand). VCF-style: chr7-128967329-C-T. GRCh37 (hg19) VCF-style: chr7-128607383-C-T.
Other names: c.2470G>A, p.Val824Ile (NM_001191028.3, NM_001382223.1); c.2764G>A, p.Val922Ile (NM_001382216.1); c.2743G>A, p.Val915Ile (NM_001382217.1); c.2662G>A, p.Val888Ile (NM_001382218.1); c.2554G>A, p.Val852Ile (NM_001382219.1); c.2521G>A, p.Val841Ile (NM_001382220.1); c.2518G>A, p.Val840Ile (NM_001382221.1); c.2515G>A, p.Val839Ile (NM_001382222.1); short protein forms V888I, V824I, V839I, V840I, V841I, V852I, V915I, V922I.
Identifiers: ClinVar variation 501775 (VCV000501775.12), dbSNP rs765613943, ClinGen allele CA4477814.

ClinVar aggregate classification (germline): Uncertain significance. Review status: criteria provided, multiple submitters, no conflicts (2 of 4 stars). 3 submissions from 3 submitters: Uncertain significance (3). Last evaluated 2024-08-21.

Conditions:
Inborn genetic diseases. Identifiers: MedGen C0950123, MeSH D030342.
Autosomal dominant limb-girdle muscular dystrophy type 1F (LGMDD2). Also called: MUSCULAR DYSTROPHY, LIMB-GIRDLE, AUTOSOMAL DOMINANT 2; Limb-girdle muscular dystrophy, type 1F. Identifiers: Orphanet 55595, MedGen C1842062, MONDO:0012034, OMIM 608423.

Allele frequency attached by ClinVar (database versions not stated): gnomAD 0.00004; gnomAD exomes 0.00004 and 0.00006; TOPMed 0.00004; ExAC 0.00006.
gnomAD v4.1: 92 of 1,613,912 alleles (0.0057%); highest among the groups gnomAD compares: Non-Finnish European, 0.007%; no homozygotes.

Submissions (3):

Labcorp Genetics (formerly Invitae), Labcorp
Classification: Uncertain significance for Autosomal dominant limb-girdle muscular dystrophy type 1F. Last evaluated: 2024-08-21. Review status: criteria provided, single submitter. Criteria: Invitae Variant Classification Sherloc (09022015). Collection method: clinical testing. Allele origin: germline.
Comment: This sequence change replaces valine, which is neutral and non-polar, with isoleucine, which is neutral and non-polar, at codon 888 of the TNPO3 protein (p.Val888Ile). This variant is present in population databases (rs765613943, gnomAD 0.008%). This variant has not been reported in the literature in individuals affected with TNPO3-related conditions. ClinVar contains an entry for this variant (Variation ID: 501775). An algorithm developed to predict the effect of missense changes on protein structure and function (PolyPhen-2) suggests that this variant is likely to be tolerated. In summary, the available evidence is currently insufficient to determine the role of this variant in disease. Therefore, it has been classified as a Variant of Uncertain Significance.

Ambry Genetics
Classification: Uncertain significance for Inborn genetic diseases. Last evaluated: 2024-05-24. Review status: criteria provided, single submitter. Criteria: Ambry Variant Classification Scheme 2023. Collection method: clinical testing. Allele origin: germline.

Eurofins Ntd Llc (ga)
Classification: Uncertain significance. Last evaluated: 2017-05-03. Review status: criteria provided, single submitter. Criteria: EGL Classification Definitions 2015. Collection method: clinical testing. Allele origin: germline. Observed: 1 variant allele, 1 heterozygote.